The following is an entry in ClinVar:

NM_000587.4(C7):c.175G>A (p.Gly59Arg)

Gene: C7 (complement C7; plus strand). Cytogenetic location: 5p13.1.
Variant type: single nucleotide variant.
Coding change: c.175G>A on transcript NM_000587.4 (MANE Select); coding-DNA position 175, G replaced by A.
Protein change: p.Gly59Arg; replaces glycine 59 with arginine.
Molecular consequence: missense variant.
Genome position (GRCh38, 1-based): chr5:40,934,361, G>A. VCF-style: chr5-40934361-G-A. GRCh37 (hg19) VCF-style: chr5-40934463-G-A.
Other names: c.175G>A (NM_000587.2); short protein forms G59R.
Identifiers: ClinVar variation 1022985 (VCV001022985.5), dbSNP rs369091418, ClinGen allele CA3249553.

ClinVar aggregate classification (germline): Uncertain significance. Review status: criteria provided, multiple submitters, no conflicts (2 of 4 stars). 2 submissions from 2 submitters: Uncertain significance (2). Last evaluated 2023-11-09.

Conditions:
Inborn genetic diseases. Identifiers: MedGen C0950123, MeSH D030342.

Allele frequency attached by ClinVar (database versions not stated): ExAC 0.00002; gnomAD exomes 0.00002 and 0.00005; TOPMed 0.00002; gnomAD 0.00003 and 0.00004; ESP Exome Variant Server 0.00008.
gnomAD v4.1: 78 of 1,613,548 alleles (0.0048%); highest among the groups gnomAD compares: Middle Eastern, 0.099%; no homozygotes.

Submissions (2):

Ambry Genetics
Classification: Uncertain significance for Inborn genetic diseases. Last evaluated: 2023-11-09. Review status: criteria provided, single submitter. Criteria: Ambry Variant Classification Scheme 2023. Collection method: clinical testing. Allele origin: germline.

Labcorp Genetics (formerly Invitae), Labcorp
Classification: Uncertain significance. Last evaluated: 2021-11-25. Review status: criteria provided, single submitter. Criteria: Invitae Variant Classification Sherloc (09022015). Collection method: clinical testing. Allele origin: germline.
Comment: This sequence change replaces glycine, which is neutral and non-polar, with arginine, which is basic and polar, at codon 59 of the C7 protein (p.Gly59Arg). The frequency data for this variant in the population databases is considered unreliable, as metrics indicate poor data quality at this position in the gnomAD database. This variant has not been reported in the literature in individuals affected with C7-related conditions. ClinVar contains an entry for this variant (Variation ID: 1022985). Algorithms developed to predict the effect of missense changes on protein structure and function are either unavailable or do not agree on the potential impact of this missense change (SIFT: "Deleterious"; PolyPhen-2: "Probably Damaging"; Align-GVGD: "Class C0"). In summary, the available evidence is currently insufficient to determine the role of this variant in disease. Therefore, it has been classified as a Variant of Uncertain Significance.